The following is an entry in ClinVar:

NM_001367561.1(DOCK7):c.3781+4C>G

Gene: DOCK7 (dedicator of cytokinesis 7; minus strand). Cytogenetic location: 1p31.3.
Variant type: single nucleotide variant.
Coding change: c.3781+4C>G on transcript NM_001367561.1 (MANE Select); 4 bases into the intron after coding-DNA position 3781, C replaced by G.
Molecular consequence: intron variant.
Genome position (GRCh38, 1-based): chr1:62,529,273, G>C on the plus strand (C>G on the coding strand, the complement: DOCK7 is on the minus strand). VCF-style: chr1-62529273-G-C. GRCh37 (hg19) VCF-style: chr1-62994944-G-C.
Other names: c.3688+4C>G (NM_033407.2, NM_001272001.2, NM_001272000.2 and 1 more transcripts); c.3781+4C>G (NM_001271999.2, NM_001330614.2).
Identifiers: ClinVar variation 656695 (VCV000656695.14), dbSNP rs372305581, ClinGen allele CA885901.
Genomic context (GRCh38, chr1:62,529,273, plus strand): 5'-TATTTTCTAACACTTTTAAACATTGAGCTTTGCCTTTAATATTTGCCTTAATTATACTAG[G>C]TACCTGTAAAATCATACAGCTGAGGTACAGTTTCCATGATAATACCAATCAGAGGTAGAT-3'

ClinVar aggregate classification (germline): Uncertain significance. Review status: criteria provided, multiple submitters, no conflicts (2 of 4 stars). 4 submissions from 4 submitters: Uncertain significance (4). Last evaluated 2025-08-04.

Conditions:
Inborn genetic diseases. Identifiers: MedGen C0950123, MeSH D030342.
Developmental and epileptic encephalopathy, 23 (DEE23). Also called: Epileptic encephalopathy, early infantile, 23. Identifiers: Orphanet 411986, MedGen C4014492, MONDO:0014371, OMIM 615859.

Allele frequency attached by ClinVar (database versions not stated): gnomAD exomes 0.00003; ExAC 0.00004; ESP Exome Variant Server 0.00008; TOPMed 0.00016; gnomAD 0.00017 and 0.00019.
gnomAD v4.1: 46 of 1,590,050 alleles (0.0029%); highest among the groups gnomAD compares: African/African-American, 0.057%; no homozygotes.

Submissions (4):

GeneDx
Classification: Uncertain significance. Last evaluated: 2025-08-04. Review status: criteria provided, single submitter. Criteria: GeneDx Variant Classification Process June 2021. Collection method: clinical testing. Allele origin: germline. Affected: yes.
Comment: Has not been previously published as pathogenic or benign to our knowledge; In silico analysis suggests this variant may impact gene splicing. In the absence of RNA/functional studies, the actual effect of this sequence change is unknown.

Labcorp Genetics (formerly Invitae), Labcorp
Classification: Uncertain significance for Developmental and epileptic encephalopathy, 23. Last evaluated: 2025-03-11. Review status: criteria provided, single submitter. Criteria: Invitae Variant Classification Sherloc (09022015). Collection method: clinical testing. Allele origin: germline.
Comment: This sequence change falls in intron 30 of the DOCK7 gene. It does not directly change the encoded amino acid sequence of the DOCK7 protein. It affects a nucleotide within the consensus splice site. This variant is present in population databases (rs372305581, gnomAD 0.05%). This variant has not been reported in the literature in individuals affected with DOCK7-related conditions. ClinVar contains an entry for this variant (Variation ID: 656695). Variants that disrupt the consensus splice site are a relatively common cause of aberrant splicing (PMID: 17576681, 9536098). Algorithms developed to predict the effect of sequence changes on RNA splicing suggest that this variant may disrupt the consensus splice site. In summary, the available evidence is currently insufficient to determine the role of this variant in disease. Therefore, it has been classified as a Variant of Uncertain Significance.

Genome-Nilou Lab
Classification: Uncertain significance for Developmental and epileptic encephalopathy, 23. Last evaluated: 2023-04-11. Review status: criteria provided, single submitter. Criteria: ACMG Guidelines, 2015. Collection method: clinical testing. Allele origin: germline. Affected: no.

Ambry Genetics
Classification: Uncertain significance for Inborn genetic diseases. Last evaluated: 2020-10-21. Review status: criteria provided, single submitter. Criteria: Ambry Variant Classification Scheme 2023. Collection method: clinical testing. Allele origin: germline.
Comment: The c.3688+4C>G intronic alteration consists of a C to G substitution 4 nucleotides after coding exon 29 of the DOCK7 gene. Based on data from the Genome Aggregation Database (gnomAD) database, the DOCK7 c.3688+4C>G alteration was observed in <0.01% (12/266038) of total alleles studied, with a frequency of 0.05% (12/24554) in the African subpopulation. This nucleotide position is poorly conserved in available vertebrate species. In silico splice site analysis for this alteration is inconclusive. Based on insufficient or conflicting evidence, the clinical significance of this alteration remains unclear.

Literature cited by the submitters: PubMed 17576681 (cited by Labcorp Genetics (formerly Invitae), Labcorp); PubMed 9536098 (cited by Labcorp Genetics (formerly Invitae), Labcorp).